The following is an entry in ClinVar:

ClinVar aggregate classification (germline): Likely benign (1 of 4 stars; one submission).

gnomAD v4.1: 154 of 1,612,138 alleles (0.0096%); highest among the groups gnomAD compares: East Asian, 0.15%; no homozygotes.

Submission:

CeGaT Center for Human Genetics Tuebingen
Classification: Likely benign. Last evaluated: 2026-05-01. Review status: criteria provided, single submitter. Criteria: CeGaT Center For Human Genetics Tuebingen Variant Classification Criteria Version 2. Collection method: clinical testing. Allele origin: germline. Affected: yes. Observed: 1 variant allele.
Comment: CELSR1: BP4, BP7

NM_001378328.1(CELSR1):c.8730C>T (p.Ser2910=)

Gene: CELSR1 (cadherin EGF LAG seven-pass G-type receptor 1; minus strand). Cytogenetic location: 22q13.31.
Variant type: single nucleotide variant.
Coding change: c.8730C>T on transcript NM_001378328.1 (MANE Select); coding-DNA position 8730, C replaced by T.
Protein change: p.Ser2910=; no amino-acid change (serine 2910 retained).
Molecular consequence: synonymous variant.
Genome position (GRCh38, 1-based): chr22:46,364,561, G>A on the plus strand (C>T on the coding strand, the complement: CELSR1 is on the minus strand). VCF-style: chr22-46364561-G-A. GRCh37 (hg19) VCF-style: chr22-46760458-G-A.
Other names: c.8730C>T, p.Ser2910= (NM_014246.4).
Identifiers: ClinVar variation 4872720 (VCV004872720.2).